The following is an entry in ClinVar:

ClinVar aggregate classification (germline): Uncertain significance (1 of 4 stars; one submission).

Conditions:
Hereditary diffuse gastric adenocarcinoma (HDGC). Also called: DIFFUSE GASTRIC AND LOBULAR BREAST CANCER SYNDROME. Identifiers: Orphanet 26106, MedGen C1708349, MONDO:0007648, OMIM 137215.

Submission:

Labcorp Genetics (formerly Invitae), Labcorp
Classification: Uncertain significance for Hereditary diffuse gastric adenocarcinoma. Last evaluated: 2025-07-10. Review status: criteria provided, single submitter. Criteria: Invitae Variant Classification Sherloc (09022015). Collection method: clinical testing. Allele origin: germline.
Comment: This sequence change replaces leucine, which is neutral and non-polar, with arginine, which is basic and polar, at codon 815 of the CDH1 protein (p.Leu815Arg). This variant is not present in population databases (gnomAD no frequency). This variant has not been reported in the literature in individuals affected with CDH1-related conditions. ClinVar contains an entry for this variant (Variation ID: 647996). An algorithm developed to predict the effect of missense changes on protein structure and function (PolyPhen-2) suggests that this variant is likely to be disruptive. In summary, the available evidence is currently insufficient to determine the role of this variant in disease. Therefore, it has been classified as a Variant of Uncertain Significance.

NM_004360.5(CDH1):c.2444T>G (p.Leu815Arg)

Gene: CDH1 (cadherin 1; plus strand). Cytogenetic location: 16q22.1.
Variant type: single nucleotide variant.
Coding change: c.2444T>G on transcript NM_004360.5 (MANE Select); coding-DNA position 2444, T replaced by G.
Protein change: p.Leu815Arg; replaces leucine 815 with arginine.
Molecular consequence: missense variant.
Genome position (GRCh38, 1-based): chr16:68,833,294, T>G. VCF-style: chr16-68833294-T-G. GRCh37 (hg19) VCF-style: chr16-68867197-T-G.
Other names: c.2444T>G (LRG_301t1); c.2261T>G, p.Leu754Arg (NM_001317184.2); c.896T>G, p.Leu299Arg (NM_001317185.2); c.479T>G, p.Leu160Arg (NM_001317186.2); short protein forms L160R, L299R, L754R, L815R.
Identifiers: ClinVar variation 647996 (VCV000647996.11), dbSNP rs1596976107, ClinGen allele CA396471955.